The following is an entry in ClinVar:

ClinVar aggregate classification (germline): Uncertain significance (1 of 4 stars; one submission).

gnomAD v4.1: 5 of 1,595,420 alleles (0.00031%); highest among the groups gnomAD compares: African/African-American, 0.0028%; no homozygotes.

Submission:

Mayo Clinic Laboratories, Mayo Clinic
Classification: Uncertain significance. Last evaluated: 2025-10-28. Review status: criteria provided, single submitter. Criteria: ACMG Guidelines, 2015. Collection method: clinical testing. Allele origin: germline. Observed: 1 variant allele.
Comment: BP4_moderate, PM2_supporting

NM_030762.3(BHLHE41):c.778G>A (p.Ala260Thr)

Genes: BHLHE41 (basic helix-loop-helix family member e41; minus strand), SSPN (sarcospan; plus strand). Cytogenetic location: 12p12.1.
Variant type: single nucleotide variant.
Coding change: c.778G>A on transcript NM_030762.3 (MANE Select); coding-DNA position 778, G replaced by A.
Protein change: p.Ala260Thr; replaces alanine 260 with threonine.
Molecular consequence: missense variant.
Genome position (GRCh38, 1-based): chr12:26,122,737, C>T on the plus strand (G>A on the coding strand, the complement: BHLHE41 is on the minus strand). VCF-style: chr12-26122737-C-T. GRCh37 (hg19) VCF-style: chr12-26275670-C-T.
Other names: p.Ala260Thr; short protein forms A260T.
Identifiers: ClinVar variation 4541704 (VCV004541704.1).